The following is an entry in ClinVar:

NM_144670.6(A2ML1):c.1781T>C (p.Val594Ala)

Gene: A2ML1 (alpha-2-macroglobulin like 1; plus strand). Cytogenetic location: 12p13.31.
Variant type: single nucleotide variant.
Coding change: c.1781T>C on transcript NM_144670.6 (MANE Select); coding-DNA position 1781, T replaced by C.
Protein change: p.Val594Ala; replaces valine 594 with alanine.
Molecular consequence: missense variant.
Genome position (GRCh38, 1-based): chr12:8,847,646, T>C. VCF-style: chr12-8847646-T-C. GRCh37 (hg19) VCF-style: chr12-9000242-T-C.
Other names: c.308T>C, p.Val103Ala (NM_001282424.3); short protein forms V103A, V594A.
Identifiers: ClinVar variation 2795932 (VCV002795932.3), dbSNP rs1592131332, ClinGen allele CA383829676.

ClinVar aggregate classification (germline): Uncertain significance (1 of 4 stars; one submission).

Submission:

Labcorp Genetics (formerly Invitae), Labcorp
Classification: Uncertain significance. Last evaluated: 2023-02-28. Review status: criteria provided, single submitter. Criteria: Invitae Variant Classification Sherloc (09022015). Collection method: clinical testing. Allele origin: germline.
Comment: This sequence change replaces valine, which is neutral and non-polar, with alanine, which is neutral and non-polar, at codon 594 of the A2ML1 protein (p.Val594Ala). In summary, the available evidence is currently insufficient to determine the role of this variant in disease. Therefore, it has been classified as a Variant of Uncertain Significance. An algorithm developed to predict the effect of missense changes on protein structure and function (PolyPhen-2) suggests that this variant is likely to be disruptive. This variant has not been reported in the literature in individuals affected with A2ML1-related conditions. This variant is not present in population databases (gnomAD no frequency).